The following is an entry in ClinVar:

NM_001256545.2(MEGF10):c.2076C>T (p.Pro692=)

Gene: MEGF10 (multiple EGF like domains 10; plus strand). Cytogenetic location: 5q23.2.
Variant type: single nucleotide variant.
Coding change: c.2076C>T on transcript NM_001256545.2 (MANE Select); coding-DNA position 2076, C replaced by T.
Protein change: p.Pro692=; no amino-acid change (proline 692 retained).
Molecular consequence: synonymous variant.
Genome position (GRCh38, 1-based): chr5:127,435,461, C>T. VCF-style: chr5-127435461-C-T. GRCh37 (hg19) VCF-style: chr5-126771153-C-T.
Other names: p.Pro692=; c.2076C>T, p.Pro692= (NM_032446.3).
Identifiers: ClinVar variation 262068 (VCV000262068.24), dbSNP rs115309591, ClinGen allele CA3391826.

ClinVar aggregate classification (germline): Benign/Likely benign. Review status: criteria provided, multiple submitters, no conflicts (2 of 4 stars). 6 submissions from 6 submitters: Benign (4); Likely benign (2). Last evaluated 2026-02-01.

Conditions:
MEGF10-related myopathy (CMYO10A). Also called: Congenital myopathy 10A, severe variant. Identifiers: Orphanet 439212, MedGen C3280679, MONDO:0013731, OMIM 614399.

Allele frequency attached by ClinVar (database versions not stated): ExAC 0.00565; ESP Exome Variant Server 0.01845; 1000 Genomes Project 0.02177; 1000 Genomes Project 30x 0.02358; gnomAD exomes 0.00160 and 0.00446; gnomAD 0.01810 and 0.01698; TOPMed 0.01889.
gnomAD v4.1: 5,003 of 1,613,784 alleles (0.31%); highest among the groups gnomAD compares: African/African-American, 5.9%; 145 homozygotes.

Submissions (6):

Labcorp Genetics (formerly Invitae), Labcorp
Classification: Benign for MEGF10-related myopathy. Last evaluated: 2026-02-01. Review status: criteria provided, single submitter. Criteria: Invitae Variant Classification Sherloc (09022015). Collection method: clinical testing. Allele origin: germline.

Mayo Clinic Laboratories, Mayo Clinic
Classification: Benign. Last evaluated: 2020-04-10. Review status: criteria provided, single submitter. Criteria: ACMG Guidelines, 2015. Collection method: clinical testing. Allele origin: germline. Observed: 2 variant alleles.

Illumina Laboratory Services, Illumina
Classification: Likely benign for MEGF10-related myopathy. Last evaluated: 2018-01-13. Review status: criteria provided, single submitter. Criteria: ICSL Variant Classification Criteria 13 December 2019. Collection method: clinical testing. Allele origin: germline.
Comment: This variant was observed in the ICSL laboratory as part of a predisposition screen in an ostensibly healthy population. It had not been previously curated by ICSL or reported in the Human Gene Mutation Database (HGMD: prior to June 1st, 2018), and was therefore a candidate for classification through an automated scoring system. Utilizing variant allele frequency, disease prevalence and penetrance estimates, and inheritance mode, an automated score was calculated to assess if this variant is too frequent to cause the disease. Based on the score and internal cut-off values, a variant classified as likely benign is not then subjected to further curation. The score for this variant resulted in a classification of likely benign for this disease.

GeneDx
Classification: Benign. Last evaluated: 2016-08-09. Review status: criteria provided, single submitter. Criteria: GeneDx Variant Classification (06012015). Collection method: clinical testing. Allele origin: germline. Affected: yes.
Comment: This variant is considered likely benign or benign based on one or more of the following criteria: it is a conservative change, it occurs at a poorly conserved position in the protein, it is predicted to be benign by multiple in silico algorithms, and/or has population frequency not consistent with disease.

Breakthrough Genomics
Classification: Likely benign. Review status: criteria provided, single submitter. Criteria: ACMG Guidelines, 2015. Collection method: not provided. Allele origin: germline. Inheritance: Autosomal recessive inheritance. Affected: yes.

PreventionGenetics, part of Exact Sciences
Classification: Benign. Review status: criteria provided, single submitter. Criteria: ACMG Guidelines, 2015. Collection method: clinical testing. Allele origin: germline.